The following is an entry in ClinVar:

ClinVar aggregate classification (germline): Uncertain significance (1 of 4 stars; one submission).

Conditions:
Primary dilated cardiomyopathy (DCM). Also called: Dilated Cardiomyopathy. Identifiers: Orphanet 217604, MedGen C0007193, MeSH D002311, MONDO:0005021, HP:0001644. Inheritance: Various modes of inheritance.

Allele frequency attached by ClinVar (database versions not stated): TOPMed below 0.00001; gnomAD 0.00001.
gnomAD v4.1: 1 of 1,611,994 alleles (0.000062%); highest among the groups gnomAD compares: Non-Finnish European, 0.000085%; no homozygotes.

Submission:

Labcorp Genetics (formerly Invitae), Labcorp
Classification: Uncertain significance for Primary dilated cardiomyopathy. Last evaluated: 2023-12-12. Review status: criteria provided, single submitter. Criteria: Invitae Variant Classification Sherloc (09022015). Collection method: clinical testing. Allele origin: germline.
Comment: This sequence change replaces lysine, which is basic and polar, with arginine, which is basic and polar, at codon 475 of the NEBL protein (p.Lys475Arg). This variant is not present in population databases (gnomAD no frequency). This variant has not been reported in the literature in individuals affected with NEBL-related conditions. Algorithms developed to predict the effect of missense changes on protein structure and function output the following: SIFT: "Not Available"; PolyPhen-2: "Benign"; Align-GVGD: "Not Available". The arginine amino acid residue is found in multiple mammalian species, which suggests that this missense change does not adversely affect protein function. In summary, the available evidence is currently insufficient to determine the role of this variant in disease. Therefore, it has been classified as a Variant of Uncertain Significance.

NM_006393.3(NEBL):c.1424A>G (p.Lys475Arg)

Gene: NEBL (nebulette; minus strand). Cytogenetic location: 10p12.31.
Variant type: single nucleotide variant.
Coding change: c.1424A>G on transcript NM_006393.3 (MANE Select); coding-DNA position 1424, A replaced by G.
Protein change: p.Lys475Arg; replaces lysine 475 with arginine.
Molecular consequence: missense variant. On other transcripts: intron variant (9).
Genome position (GRCh38, 1-based): chr10:20,835,538, T>C on the plus strand (A>G on the coding strand, the complement: NEBL is on the minus strand). VCF-style: chr10-20835538-T-C. GRCh37 (hg19) VCF-style: chr10-21124467-T-C.
Other names: c.250-22598A>G (NM_001377326.1, NM_001377327.1, NM_001377328.1); c.358-22598A>G (NM_213569.2, NM_001173484.2, NM_001377322.1); c.301-22598A>G (NM_001377324.1); c.292-22598A>G (NM_001377325.1); c.310-22598A>G (NM_001377323.1); short protein forms K475R.
Identifiers: ClinVar variation 3020146 (VCV003020146.3), dbSNP rs1225422071, ClinGen allele CA376098217.
Genomic context (GRCh38, chr10:20,835,538, plus strand): 5'-TGAGTCTTAAGGCCTGCATCACGCACCCTACTAACCTCACTCGCTATCTCTGCAGCCTTC[T>C]TGGCATGCTGCATTTCAAGGGTGTCAGTGCCAGCTTGCATTCCTTTCCCTTTAATTATTG-3'
Protein context (NP_006384.1, residues 465-485): GTDTLEMQHA[Lys475Arg]KAAEIASEKD